The following is an entry in ClinVar:

NM_003482.4(KMT2D):c.7705G>A (p.Gly2569Ser)

Gene: KMT2D (lysine methyltransferase 2D; minus strand). Cytogenetic location: 12q13.12.
Variant type: single nucleotide variant.
Coding change: c.7705G>A on transcript NM_003482.4 (MANE Select); coding-DNA position 7705, G replaced by A.
Protein change: p.Gly2569Ser; replaces glycine 2569 with serine.
Molecular consequence: missense variant.
Genome position (GRCh38, 1-based): chr12:49,040,065, C>T on the plus strand (G>A on the coding strand, the complement: KMT2D is on the minus strand). VCF-style: chr12-49040065-C-T. GRCh37 (hg19) VCF-style: chr12-49433848-C-T.
Other names: short protein forms G2569S.
Identifiers: ClinVar variation 134697 (VCV000134697.28), dbSNP rs201507971, ClinGen allele CA160561.

ClinVar aggregate classification (germline): Conflicting classifications of pathogenicity. Review status: criteria provided, conflicting classifications (1 of 4 stars). 9 submissions from 8 submitters: Uncertain significance (3); Benign (2); Likely benign (3). 1 of the submissions does not count toward it. Last evaluated 2026-02-01.

Conditions:
Kabuki syndrome 1 (KABUK1). Also called: KMT2D-Related Kabuki Syndrome. Identifiers: Orphanet 2322, MedGen CN030661, MONDO:0007843, OMIM 147920.
Choanal atresia-athelia-hypothyroidism-delayed puberty-short stature syndrome (BCAHH). Also called: BRANCHIAL ARCH ABNORMALITIES, CHOANAL ATRESIA, ATHELIA, HEARING LOSS, AND HYPOTHYROIDISM SYNDROME. Identifiers: Orphanet 589856, MedGen C5680310, MONDO:0035651, OMIM 620186.
Kabuki syndrome. Also called: Kabuki make-up syndrome; NIIKAWA-KUROKI SYNDROME. Identifiers: Orphanet 2322, MedGen C0796004, MONDO:0016512.

Allele frequency attached by ClinVar (database versions not stated): gnomAD exomes 0.00023 and 0.00063; ExAC 0.00073; ESP Exome Variant Server 0.00166; 1000 Genomes Project 0.00220; gnomAD 0.00261 and 0.00284; 1000 Genomes Project 30x 0.00265; TOPMed 0.00271.
gnomAD v4.1: 744 of 1,613,918 alleles (0.046%); highest among the groups gnomAD compares: African/African-American, 0.86%; 2 homozygotes.

Submissions (9):

CeGaT Center for Human Genetics Tuebingen
Classification: Likely benign. Last evaluated: 2026-02-01. Review status: criteria provided, single submitter. Criteria: CeGaT Center For Human Genetics Tuebingen Variant Classification Criteria Version 2. Collection method: clinical testing. Allele origin: germline. Affected: yes. Observed: 2 variant alleles.
Comment: KMT2D: BP4, BS2

Labcorp Genetics (formerly Invitae), Labcorp
Classification: Benign for Kabuki syndrome. Last evaluated: 2026-01-13. Review status: criteria provided, single submitter. Criteria: Invitae Variant Classification Sherloc (09022015). Collection method: clinical testing. Allele origin: germline.

Blueprint Genetics
Classification: Likely benign. Last evaluated: 2024-10-31. Review status: criteria provided, single submitter. Criteria: ACMG Guidelines, 2015. Collection method: clinical testing. Allele origin: germline.

GeneDx
Classification: Benign. Last evaluated: 2019-03-26. Review status: criteria provided, single submitter. Criteria: GeneDx Variant Classification Process June 2021. Collection method: clinical testing. Allele origin: germline. Affected: yes.
Comment: This variant is associated with the following publications: (PMID: 30459467)

Center for Genomics, Ann and Robert H. Lurie Children's Hospital of Chicago
Classification: Uncertain significance for Kabuki syndrome 1. Last evaluated: 2018-12-03. Review status: criteria provided, single submitter. Criteria: ACMG Guidelines, 2015. Collection method: clinical testing. Allele origin: germline.
Comment: KMT2D NM_003482.3 exon 31 p.Gly2569Ser (c.7705G>A):This variant has not been reported in the literature but is present in 0.9% (217/24088) of African alleles, including 1 homozygote in the Genome Aggregation Database. This variant is present in ClinVar (Variation ID: 134697). This variant amino acid Serine (Ser) is present in several species; this suggests that this variant may not impact the protein. Computational predictive tools also suggest that this variant may not impact the protein. In summary, data on this variant is insufficient for disease classification. Therefore, the clinical significance of this variant is uncertain.

Genetic Services Laboratory, University of Chicago
Classification: Likely benign. Last evaluated: 2017-06-16. Review status: criteria provided, single submitter. Criteria: ACMG Guidelines, 2015. Collection method: clinical testing. Allele origin: germline. Affected: no.

Center for Human Genetics, Inc
Classification: Uncertain significance for Kabuki syndrome 1. Last evaluated: 2016-11-01. Review status: criteria provided, single submitter. Criteria: ACMG Guidelines, 2015. Collection method: clinical testing. Allele origin: germline. Affected: yes.

Center for Genomics, Ann and Robert H. Lurie Children's Hospital of Chicago
Classification: Uncertain significance for Choanal atresia-athelia-hypothyroidism-delayed puberty-short stature syndrome; Kabuki syndrome 1. Review status: criteria provided, single submitter. Criteria: ACMG Guidelines, 2015. Collection method: clinical testing. Allele origin: germline.
Comment: the same text as in the submission from Center for Genomics, Ann and Robert H. Lurie Children's Hospital of Chicago above.

ITMI
No classification provided. Condition: AllHighlyPenetrant. Last evaluated: 2013-09-19. Review status: no classification provided. Collection method: reference population. Allele origin: germline. Not counted in ClinVar's aggregate classification.
Comment: Please see associated publication for description of ethnicities

Literature cited by the submitters: PubMed 24728327 (cited by ITMI).